The following is an entry in ClinVar:

NM_006648.4(WNK2):c.680A>T (p.Gln227Leu)

Gene: WNK2 (WNK lysine deficient protein kinase 2; plus strand). Cytogenetic location: 9q22.31.
Variant type: single nucleotide variant.
Coding change: c.680A>T on transcript NM_006648.4 (MANE Select); coding-DNA position 680, A replaced by T.
Protein change: p.Gln227Leu; replaces glutamine 227 with leucine.
Molecular consequence: missense variant.
Genome position (GRCh38, 1-based): chr9:93,185,609, A>T. VCF-style: chr9-93185609-A-T. GRCh37 (hg19) VCF-style: chr9-95947891-A-T.
Other names: c.680A>T, p.Gln227Leu (NM_001282394.3); short protein forms Q227L.
Identifiers: ClinVar variation 4866701 (VCV004866701.1).

ClinVar aggregate classification (germline): Uncertain significance (1 of 4 stars; one submission).

Submission:

Ambry Genetics
Classification: Uncertain significance. Last evaluated: 2026-05-24. Review status: criteria provided, single submitter. Criteria: Ambry Variant Classification Scheme 2023. Collection method: clinical testing. Allele origin: germline.
Comment: The p.Q227L variant (also known as c.680A>T), located in coding exon 1 of the WNK2 gene, results from an A to T substitution at nucleotide position 680. The glutamine at codon 227 is replaced by leucine, an amino acid with dissimilar properties. This amino acid position is conserved. In addition, the in silico prediction for this alteration is inconclusive. Based on the available evidence, the clinical significance of this variant remains unclear.